The following is an entry in ClinVar:

ClinVar aggregate classification (germline): Pathogenic/Likely pathogenic. Review status: criteria provided, multiple submitters, no conflicts (2 of 4 stars). 2 submissions from 2 submitters: Pathogenic (1); Likely pathogenic (1). Last evaluated 2025-07-21.

Conditions:
Glycine encephalopathy 1 (GCE1). Identifiers: MedGen CN376801, MONDO:0958179, OMIM 605899.
Glycine encephalopathy. Also called: Non-ketotic hyperglycinemia; Nonketotic hyperglycinemia. Identifiers: Orphanet 407, MedGen C0751748, MONDO:0011612, HP:0008288.

Allele frequency attached by ClinVar (database versions not stated): gnomAD exomes below 0.00001; ExAC 0.00001; gnomAD 0.00001; 1000 Genomes Project 30x 0.00016; 1000 Genomes Project 0.00020.
gnomAD v4.1: 2 of 1,612,396 alleles (0.00012%); highest among the groups gnomAD compares: African/African-American, 0.0027%; no homozygotes.

Submissions (2):

Myriad Genetics, Inc.
Classification: Likely pathogenic for Glycine encephalopathy 1. Last evaluated: 2025-07-21. Review status: criteria provided, single submitter. Criteria: Myriad Autosomal Dominant, Autosomal Recessive and X-Linked Classification Criteria (2023). Collection method: clinical testing. Allele origin: unknown.
Comment: NM_000170.2(GLDC):c.2838+1G>A is a variant in a canonical splice site classified as likely pathogenic in the context of glycine encephalopathy, GLDC-related. c.2838+1G>A has been observed in a case with relevant disease (PMID: 27362913). Relevant functional assessments of this variant are not available in the literature. c.2838+1G>A has been observed in referenced population frequency databases. In summary, NM_000170.2(GLDC):c.2838+1G>A is a variant in a canonical splice site in a gene where loss of function is a known mechanism of disease, is predicted to disrupt protein function, and has been observed more frequently in cases with the relevant disease than in healthy populations. Please note: this variant was assessed in the context of healthy population screening.

Mendelics
Classification: Pathogenic for Glycine encephalopathy 1. Last evaluated: 2019-05-28. Review status: criteria provided, single submitter. Criteria: Mendelics Assertion Criteria 2017. Collection method: clinical testing. Allele origin: unknown.

Literature cited by the submitters: PubMed 27362913 (cited by Myriad Genetics, Inc.).

NM_000170.3(GLDC):c.2838+1G>A

Gene: GLDC (glycine decarboxylase; minus strand). Cytogenetic location: 9p24.1.
Variant type: single nucleotide variant.
Coding change: c.2838+1G>A on transcript NM_000170.3 (MANE Select); the canonical splice donor site of the intron after coding-DNA position 2838, G replaced by A.
Molecular consequence: splice donor variant.
Genome position (GRCh38, 1-based): chr9:6,536,063, C>T on the plus strand (G>A on the coding strand, the complement: GLDC is on the minus strand). VCF-style: chr9-6536063-C-T. GRCh37 (hg19) VCF-style: chr9-6536063-C-T.
Identifiers: ClinVar variation 802457 (VCV000802457.2), dbSNP rs542056100, ClinGen allele CA4980060.